The following is an entry in ClinVar:

NM_015559.3(SETBP1):c.2066C>T (p.Ala689Val)

Gene: SETBP1 (SET binding protein 1; plus strand). Cytogenetic location: 18q12.3.
Variant type: single nucleotide variant.
Coding change: c.2066C>T on transcript NM_015559.3 (MANE Select); coding-DNA position 2066, C replaced by T.
Protein change: p.Ala689Val; replaces alanine 689 with valine.
Molecular consequence: missense variant.
Genome position (GRCh38, 1-based): chr18:44,951,406, C>T. VCF-style: chr18-44951406-C-T. GRCh37 (hg19) VCF-style: chr18-42531371-C-T.
Other names: c.2066C>T, p.Ala689Val (NM_001379141.1, NM_001379142.1, NM_001410862.1); short protein forms A689V.
Identifiers: ClinVar variation 3716785 (VCV003716785.2).

ClinVar aggregate classification (germline): Uncertain significance (1 of 4 stars; one submission).

Submission:

Labcorp Genetics (formerly Invitae), Labcorp
Classification: Uncertain significance. Last evaluated: 2024-05-23. Review status: criteria provided, single submitter. Criteria: Invitae Variant Classification Sherloc (09022015). Collection method: clinical testing. Allele origin: germline.
Comment: This sequence change replaces alanine, which is neutral and non-polar, with valine, which is neutral and non-polar, at codon 689 of the SETBP1 protein (p.Ala689Val). This variant is not present in population databases (gnomAD no frequency). This variant has not been reported in the literature in individuals affected with SETBP1-related conditions. Advanced modeling of protein sequence and biophysical properties (such as structural, functional, and spatial information, amino acid conservation, physicochemical variation, residue mobility, and thermodynamic stability) performed at Invitae indicates that this missense variant is not expected to disrupt SETBP1 protein function with a negative predictive value of 80%. In summary, the available evidence is currently insufficient to determine the role of this variant in disease. Therefore, it has been classified as a Variant of Uncertain Significance.